The following is an entry in ClinVar:

ClinVar aggregate classification (germline): Uncertain significance (1 of 4 stars; one submission).

Conditions:
Epidermolysis bullosa simplex with nail dystrophy (EBS5D). Identifiers: MedGen C4225309, MONDO:0014661, OMIM 616487.
Epidermolysis bullosa simplex, Ogna type (EBS5A). Also called: Pidermolysis bullosa simplex 5A, Ogna type; EPIDERMOLYSIS BULLOSA SIMPLEX 5A, OGNA TYPE. Identifiers: Orphanet 79401, MedGen C0432317, MONDO:0007555, OMIM 131950.
Autosomal recessive limb-girdle muscular dystrophy type 2Q (LGMDR17). Also called: MUSCULAR DYSTROPHY, LIMB-GIRDLE, AUTOSOMAL RECESSIVE 17. Identifiers: Orphanet 254361, MedGen C3150989, MONDO:0013390, OMIM 613723.
Epidermolysis bullosa simplex 5B, with muscular dystrophy (EBS5B). Also called: EPIDERMOLYSIS BULLOSA SIMPLEX AND LIMB-GIRDLE MUSCULAR DYSTROPHY; Epidermolysis bullosa simplex with muscular dystrophy. Identifiers: Orphanet 257, MedGen C2931072, MONDO:0009181, OMIM 226670.
Epidermolysis bullosa simplex 5C, with pyloric atresia (EBS5C). Also called: PLEC-Related Epidermolysis Bullosa with Pyloric Atresia; Epidermolysis bullosa simplex with pyloric atresia; PLEC1-Related Epidermolysis Bullosa with Pyloric Atresia. Identifiers: Orphanet 158684, MedGen C2677349, MONDO:0012807, OMIM 612138.

gnomAD v4.1: 2 of 1,611,338 alleles (0.00012%); highest among the groups gnomAD compares: Non-Finnish European, 0.00017%; no homozygotes.

Submission:

Labcorp Genetics (formerly Invitae), Labcorp
Classification: Uncertain significance for Autosomal recessive limb-girdle muscular dystrophy type 2Q; Epidermolysis bullosa simplex, Ogna type; Epidermolysis bullosa simplex with nail dystrophy; Epidermolysis bullosa simplex 5C, with pyloric atresia; Epidermolysis bullosa simplex 5B, with muscular dystrophy. Last evaluated: 2024-02-06. Review status: criteria provided, single submitter. Criteria: Invitae Variant Classification Sherloc (09022015). Collection method: clinical testing. Allele origin: germline.
Comment: This sequence change replaces glutamine, which is neutral and polar, with histidine, which is basic and polar, at codon 309 of the PLEC protein (p.Gln309His). This variant is not present in population databases (gnomAD no frequency). This variant has not been reported in the literature in individuals affected with PLEC-related conditions. Experimental studies and prediction algorithms are not available or were not evaluated, and the functional significance of this variant is currently unknown. In summary, the available evidence is currently insufficient to determine the role of this variant in disease. Therefore, it has been classified as a Variant of Uncertain Significance.

NM_201384.3(PLEC):c.846G>T (p.Gln282His)

Gene: PLEC (plectin; minus strand). Cytogenetic location: 8q24.3.
Variant type: single nucleotide variant.
Coding change: c.846G>T on transcript NM_201384.3 (MANE Select); coding-DNA position 846, G replaced by T.
Protein change: p.Gln282His; replaces glutamine 282 with histidine.
Molecular consequence: missense variant.
Genome position (GRCh38, 1-based): chr8:143,934,909, C>A on the plus strand (G>T on the coding strand, the complement: PLEC is on the minus strand). VCF-style: chr8-143934909-C-A. GRCh37 (hg19) VCF-style: chr8-145009077-C-A.
Other names: c.846G>T, p.Gln282His (NM_201382.4); c.858G>T, p.Gln286His (NM_201383.3); c.927G>T, p.Gln309His (NM_000445.5, NM_001410941.1); c.804G>T, p.Gln268His (NM_201378.4); c.780G>T, p.Gln260His (NM_201379.3); c.1257G>T, p.Gln419His (NM_201380.4); c.750G>T, p.Gln250His (NM_201381.3); short protein forms Q250H, Q260H, Q268H, Q282H, Q286H, Q309H, Q419H.
Identifiers: ClinVar variation 3754473 (VCV003754473.2).